The following is an entry in ClinVar:

ClinVar aggregate classification (germline): Uncertain significance (1 of 4 stars; one submission).

Conditions:
Ectodermal dysplasia 11B, hypohidrotic/hair/tooth type, autosomal recessive. Identifiers: Orphanet 238468, Orphanet 248, MedGen C3539920, MONDO:0013983, OMIM 614941.
Ectodermal dysplasia 11A, hypohidrotic/hair/tooth type, autosomal dominant. Identifiers: Orphanet 1810, Orphanet 238468, MedGen C3541517, MONDO:0013982, OMIM 614940.

Submission:

Labcorp Genetics (formerly Invitae), Labcorp
Classification: Uncertain significance for Ectodermal dysplasia 11B, hypohidrotic/hair/tooth type, autosomal recessive; Ectodermal dysplasia 11A, hypohidrotic/hair/tooth type, autosomal dominant. Last evaluated: 2021-11-06. Review status: criteria provided, single submitter. Criteria: Invitae Variant Classification Sherloc (09022015). Collection method: clinical testing. Allele origin: germline.
Comment: In summary, the available evidence is currently insufficient to determine the role of this variant in disease. Therefore, it has been classified as a Variant of Uncertain Significance. Experimental studies and prediction algorithms are not available or were not evaluated, and the functional significance of this variant is currently unknown. This variant has not been reported in the literature in individuals affected with EDARADD-related conditions. This variant results in a copy number gain of the genomic region encompassing exon(s) 5-6 of the EDARADD gene. This region includes the termination codon of the gene. This copy number gain extends beyond the assayed region for this gene and therefore may encompass additional genes. As the precise location of this event is unknown, it may be in tandem or it may be located elsewhere in the genome.

NC_000001.10:g.(?_236631511)_(236645949_?)dup

Gene: EDARADD (EDAR associated via death domain; plus strand). Cytogenetic location: 1q43.
Variant type: Duplication.
Identifiers: ClinVar variation 1514540 (VCV001514540.5).